The following is an entry in ClinVar:

NM_032806.6(POMGNT2):c.691C>T (p.His231Tyr)

Gene: POMGNT2 (protein O-linked mannose N-acetylglucosaminyltransferase 2 (beta 1,4-); minus strand). Cytogenetic location: 3p22.1.
Variant type: single nucleotide variant.
Coding change: c.691C>T on transcript NM_032806.6 (MANE Select); coding-DNA position 691, C replaced by T.
Protein change: p.His231Tyr; replaces histidine 231 with tyrosine.
Molecular consequence: missense variant.
Genome position (GRCh38, 1-based): chr3:43,080,741, G>A on the plus strand (C>T on the coding strand, the complement: POMGNT2 is on the minus strand). VCF-style: chr3-43080741-G-A. GRCh37 (hg19) VCF-style: chr3-43122233-G-A.
Other names: c.691C>T, p.His231Tyr (NM_001437285.1); short protein forms H231Y.
Identifiers: ClinVar variation 4765947 (VCV004765947.1).
Genomic context (GRCh38, chr3:43,080,741, plus strand): 5'-GGGGCTGCACAAAGCCATACTGGTACCAGGTAGTGATCTTGGAGAGGCCCACAAAAGCAT[G>A]GGAGAAGCACAGCAGCCGGCCCAGGGTCTTCAGCTGTGCCCGCAGGAGAGGCTGCTTGGG-3'
Protein context (NP_116195.2, residues 221-241): KTLGRLLCFS[His231Tyr]AFVGLSKITT

ClinVar aggregate classification (germline): Uncertain significance (1 of 4 stars; one submission).

Conditions:
Muscular dystrophy-dystroglycanopathy (congenital with brain and eye anomalies), type a, 8 (MDDGA8). Also called: WALKER-WARBURG SYNDROME OR MUSCLE-EYE-BRAIN DISEASE, GTDC2-RELATED. Identifiers: Orphanet 899, MedGen C3553813, MONDO:0013904, OMIM 614830.

Submission:

Labcorp Genetics (formerly Invitae), Labcorp
Classification: Uncertain significance for Muscular dystrophy-dystroglycanopathy (congenital with brain and eye anomalies), type a, 8. Last evaluated: 2025-11-23. Review status: criteria provided, single submitter. Criteria: Invitae Variant Classification Sherloc (09022015). Collection method: clinical testing. Allele origin: germline.
Comment: This sequence change replaces histidine, which is basic and polar, with tyrosine, which is neutral and polar, at codon 231 of the POMGNT2 protein (p.His231Tyr). This variant is not present in population databases (gnomAD no frequency). This variant has not been reported in the literature in individuals affected with POMGNT2-related conditions. Invitae Evidence Modeling of protein sequence and biophysical properties (such as structural, functional, and spatial information, amino acid conservation, physicochemical variation, residue mobility, and thermodynamic stability) indicates that this missense variant is not expected to disrupt POMGNT2 protein function with a negative predictive value of 80%. In summary, the available evidence is currently insufficient to determine the role of this variant in disease. Therefore, it has been classified as a Variant of Uncertain Significance.